The following is an entry in ClinVar:

ClinVar aggregate classification (germline): Uncertain significance (1 of 4 stars; one submission).

Allele frequency attached by ClinVar (database versions not stated): ExAC 0.00002.
gnomAD v4.1: 3 of 1,614,134 alleles (0.00019%); highest among the groups gnomAD compares: South Asian, 0.0033%; no homozygotes.

Submission:

Labcorp Genetics (formerly Invitae), Labcorp
Classification: Uncertain significance. Last evaluated: 2024-05-01. Review status: criteria provided, single submitter. Criteria: Invitae Variant Classification Sherloc (09022015). Collection method: clinical testing. Allele origin: germline.
Comment: This sequence change replaces proline, which is neutral and non-polar, with threonine, which is neutral and polar, at codon 764 of the KCNQ5 protein (p.Pro764Thr). This variant is present in population databases (rs769303139, gnomAD 0.006%). This variant has not been reported in the literature in individuals affected with KCNQ5-related conditions. Advanced modeling of protein sequence and biophysical properties (such as structural, functional, and spatial information, amino acid conservation, physicochemical variation, residue mobility, and thermodynamic stability) performed at Invitae indicates that this missense variant is not expected to disrupt KCNQ5 protein function with a negative predictive value of 95%. In summary, the available evidence is currently insufficient to determine the role of this variant in disease. Therefore, it has been classified as a Variant of Uncertain Significance.

NM_019842.4(KCNQ5):c.2233C>A (p.Pro745Thr)

Gene: KCNQ5 (potassium voltage-gated channel subfamily Q member 5; plus strand). Cytogenetic location: 6q13.
Variant type: single nucleotide variant.
Coding change: c.2233C>A on transcript NM_019842.4 (MANE Select); coding-DNA position 2233, C replaced by A.
Protein change: p.Pro745Thr; replaces proline 745 with threonine.
Molecular consequence: missense variant.
Genome position (GRCh38, 1-based): chr6:73,194,848, C>A. VCF-style: chr6-73194848-C-A. GRCh37 (hg19) VCF-style: chr6-73904571-C-A.
Other names: c.2206C>A, p.Pro736Thr (NM_001160130.2); c.2263C>A, p.Pro755Thr (NM_001160132.2); c.2290C>A, p.Pro764Thr (NM_001160133.2); c.1903C>A, p.Pro635Thr (NM_001160134.2); short protein forms P736T, P755T, P635T, P745T, P764T.
Identifiers: ClinVar variation 2828813 (VCV002828813.3), dbSNP rs769303139, ClinGen allele CA3887230.